The following is an entry in ClinVar:

NM_000441.2(SLC26A4):c.2000T>C (p.Phe667Ser)

Gene: SLC26A4 (solute carrier family 26 member 4; plus strand). Cytogenetic location: 7q22.3.
Variant type: single nucleotide variant.
Coding change: c.2000T>C on transcript NM_000441.2 (MANE Select); coding-DNA position 2000, T replaced by C.
Protein change: p.Phe667Ser; replaces phenylalanine 667 with serine.
Molecular consequence: missense variant.
Genome position (GRCh38, 1-based): chr7:107,702,023, T>C. VCF-style: chr7-107702023-T-C. GRCh37 (hg19) VCF-style: chr7-107342468-T-C.
Other names: c.2000T>C (NM_000441.1); short protein forms F667S.
Identifiers: ClinVar variation 1065208 (VCV001065208.29), dbSNP rs121908360, ClinGen allele CA368843803.
Genomic context (GRCh38, chr7:107,702,023, plus strand): 5'-AAGTGAACGTTCCCAAAGTGCCAATCCATAGCCTTGTGCTTGACTGTGGAGCTATATCTT[T>C]CCTGGACGTTGTTGGAGTGAGATCACTGCGGGTGGTAAGGTTCTGGTTTTCTGAATTATA-3'
Protein context (NP_000432.1, residues 657-677): SLVLDCGAIS[Phe667Ser]LDVVGVRSLR

ClinVar aggregate classification (germline): Conflicting classifications of pathogenicity. Review status: criteria provided, conflicting classifications (1 of 4 stars). 5 submissions from 5 submitters: Pathogenic (2); Uncertain significance (1). 2 of the submissions do not count toward it. Last evaluated 2026-03-20.

Conditions:
Autosomal recessive nonsyndromic hearing loss 4 (DFNB4). Also called: FOXI1-Related Pendred Syndrome; KCNJ10-Related Pendred Syndrome; Enlarged vestibular aqueduct, digenic; NEUROSENSORY NONSYNDROMIC RECESSIVE DEAFNESS 4; Deafness, autosomal recessive 4, with enlarged vestibular aqueduct; Deafness, autosomal recessive 4. Identifiers: Orphanet 90636, MedGen C3538946, MONDO:0010933, OMIM 600791.
Pendred syndrome (PDS). Also called: THYROID DYSHORMONOGENESIS 2B; THYROID HORMONOGENESIS, GENETIC DEFECT IN, 2B; Pendred Syndrome (PDS); DEAFNESS WITH GOITER; GOITER-DEAFNESS SYNDROME; HYPOTHYROIDISM, CONGENITAL, DUE TO DYSHORMONOGENESIS, 2B. Identifiers: Orphanet 705, MedGen C0271829, MONDO:0010134, OMIM 274600.

Allele frequency attached by ClinVar (database versions not stated): gnomAD exomes below 0.00001.
gnomAD v4.1: 1 of 1,613,924 alleles (0.000062%); highest among the groups gnomAD compares: Non-Finnish European, 0.000085%; no homozygotes.

Submissions (5):

Women's Health and Genetics/Laboratory Corporation of America, LabCorp
Classification: Pathogenic for Pendred syndrome. Last evaluated: 2026-03-20. Review status: criteria provided, single submitter. Criteria: LabCorp Variant Classification Summary - May 2015. Collection method: clinical testing. Allele origin: germline.
Comment: Variant summary: SLC26A4 c.2000T>C (p.Phe667Ser) results in a non-conservative amino acid change in the encoded protein sequence. Algorithms developed to predict the effect of missense changes on protein structure and function all suggest that this variant is likely to be disruptive. The variant was absent in 251210 control chromosomes (gnomAD). c.2000T>C has been observed in multiple individuals affected with hearing loss/Enlarged vestibular aqueduct (e.g. Liu_2016, Sun_2019, Tian_2021, Wang_2021, Su_2023). These data indicate that the variant is very likely to be associated with disease. The following publications have been ascertained in the context of this evaluation (PMID: 22412181, 30896630, 34170635, 33597575, 37905486, 27997596). ClinVar contains an entry for this variant (Variation ID: 1065208). Based on the evidence outlined above, the variant was classified as pathogenic.

GeneDx
Classification: Uncertain significance. Last evaluated: 2019-04-02. Review status: criteria provided, single submitter. Criteria: GeneDx Variant Classification Process June 2021. Collection method: clinical testing. Allele origin: germline. Affected: yes.
Comment: Not observed in large population cohorts (Lek et al., 2016); In silico analysis, which includes protein predictors and evolutionary conservation, supports a deleterious effect; This variant is associated with the following publications: (PMID: 22412181, 29921053, 28717060, 24612839, 30896630)

Juno Genomics, Hangzhou Juno Genomics, Inc
Classification: Pathogenic for Autosomal recessive nonsyndromic hearing loss 4; Pendred syndrome. Review status: criteria provided, single submitter. Criteria: ACMG Guidelines, 2015. Collection method: clinical testing. Allele origin: germline.
Comment: Absent from controls (or at extremely low frequency if recessive) in Genome Aggregation Database.;Multiple lines of computational evidence support a deleterious effect on the gene or gene product.;For recessive disorders, detected in trans with a pathogenic variant.

Deafness Molecular Diagnostic Center, Chinese PLA General Hospital
Classification: Pathogenic for Autosomal recessive nonsyndromic hearing loss 4. Review status: no assertion criteria provided. Collection method: case-control. Allele origin: paternal. Affected: yes. Not counted in ClinVar's aggregate classification.

Precision Medicine Center, Zhengzhou University
Classification: Pathogenic for Autosomal recessive nonsyndromic hearing loss 4. Review status: no assertion criteria provided. Collection method: research. Allele origin: germline. Affected: yes. Not counted in ClinVar's aggregate classification.
Comment: PM2: not found in gnomAD PM3_VeryStrong: Pathogenic mutation confirmed in trans in three patients and phase unknown in five patients PP3: REVEL score >0.7 PP4: Patient's phenotype highly specific for gene

Literature cited by the submitters: PubMed 33597575 (cited by Women's Health and Genetics/Laboratory Corporation of America, LabCorp); PubMed 34170635 (cited by Women's Health and Genetics/Laboratory Corporation of America, LabCorp); PubMed 30896630 (cited by Women's Health and Genetics/Laboratory Corporation of America, LabCorp); PubMed 27997596 (cited by Women's Health and Genetics/Laboratory Corporation of America, LabCorp); PubMed 22412181 (cited by Women's Health and Genetics/Laboratory Corporation of America, LabCorp); PubMed 37905486 (cited by Women's Health and Genetics/Laboratory Corporation of America, LabCorp).